The following is an entry in ClinVar:

ClinVar aggregate classification (germline): Benign (1 of 4 stars; one submission).

Allele frequency attached by ClinVar (database versions not stated): 1000 Genomes Project 30x 0.00047; 1000 Genomes Project 0.00060; ExAC 0.00134; gnomAD exomes 0.00219 and 0.00297; TOPMed 0.00230; gnomAD 0.00243 and 0.00249.
gnomAD v4.1: 2,008 of 713,948 alleles (0.28%); highest among the groups gnomAD compares: Non-Finnish European, 0.43%; 7 homozygotes.

Submission:

CeGaT Center for Human Genetics Tuebingen
Classification: Benign. Last evaluated: 2026-01-01. Review status: criteria provided, single submitter. Criteria: CeGaT Center For Human Genetics Tuebingen Variant Classification Criteria Version 2. Collection method: clinical testing. Allele origin: germline. Affected: yes. Observed: 2 variant alleles.
Comment: TNNI3K: BS1, BS2

NM_015978.3(TNNI3K):c.2121+12139A>G

Genes: LRRC53 (leucine rich repeat containing 53; minus strand), TNNI3K (TNNI3 interacting kinase; plus strand), FPGT-TNNI3K (FPGT-TNNI3K readthrough; plus strand). Cytogenetic location: 1p31.1.
Variant type: single nucleotide variant.
Coding change: c.2121+12139A>G on transcript NM_015978.3 (MANE Select); 12139 bases into the intron after coding-DNA position 2121, A replaced by G.
Molecular consequence: intron variant. On other transcripts: synonymous variant (2).
Genome position (GRCh38, 1-based): chr1:74,475,689, A>G. VCF-style: chr1-74475689-A-G. GRCh37 (hg19) VCF-style: chr1-74941373-A-G.
Other names: c.930T>C, p.Ala310= (NM_001364666.2); c.1026T>C, p.Ala342= (NM_001382280.1); c.2424+12139A>G (NM_001112808.3).
Identifiers: ClinVar variation 1694518 (VCV001694518.31), dbSNP rs144258020, ClinGen allele CA909711.